The following is an entry in ClinVar:

ClinVar aggregate classification (germline): Uncertain significance. Review status: criteria provided, multiple submitters, no conflicts (2 of 4 stars). 2 submissions from 2 submitters: Uncertain significance (2). Last evaluated 2025-07-03.

Conditions:
Inborn genetic diseases. Identifiers: MedGen C0950123, MeSH D030342.

Allele frequency attached by ClinVar (database versions not stated): gnomAD exomes below 0.00001; gnomAD 0.00001.
gnomAD v4.1: 5 of 1,204,724 alleles (0.00042%); highest among the groups gnomAD compares: Non-Finnish European, 0.00056%; no homozygotes.

Submissions (2):

Ambry Genetics
Classification: Uncertain significance for Inborn genetic diseases. Last evaluated: 2025-07-03. Review status: criteria provided, single submitter. Criteria: Ambry Variant Classification Scheme 2023. Collection method: clinical testing. Allele origin: germline.

Labcorp Genetics (formerly Invitae), Labcorp
Classification: Uncertain significance. Last evaluated: 2022-09-10. Review status: criteria provided, single submitter. Criteria: Invitae Variant Classification Sherloc (09022015). Collection method: clinical testing. Allele origin: germline.
Comment: The frequency data for this variant in the population databases is considered unreliable, as metrics indicate poor data quality at this position in the gnomAD database. In summary, the available evidence is currently insufficient to determine the role of this variant in disease. Therefore, it has been classified as a Variant of Uncertain Significance. Algorithms developed to predict the effect of missense changes on protein structure and function (SIFT, PolyPhen-2, Align-GVGD) all suggest that this variant is likely to be disruptive. This variant has not been reported in the literature in individuals affected with PORCN-related conditions. This sequence change replaces arginine, which is basic and polar, with cysteine, which is neutral and slightly polar, at codon 183 of the PORCN protein (p.Arg183Cys).

NM_203475.3(PORCN):c.547C>T (p.Arg183Cys)

Gene: PORCN (porcupine O-acyltransferase; plus strand). Cytogenetic location: Xp11.23.
Variant type: single nucleotide variant.
Coding change: c.547C>T on transcript NM_203475.3 (MANE Select); coding-DNA position 547, C replaced by T.
Protein change: p.Arg183Cys; replaces arginine 183 with cysteine.
Molecular consequence: missense variant.
Genome position (GRCh38, 1-based): chrX:48,512,499, C>T. VCF-style: chrX-48512499-C-T. GRCh37 (hg19) VCF-style: chrX-48370887-C-T.
Other names: c.334C>T, p.Arg112Cys (NM_001282167.2); c.547C>T, p.Arg183Cys (NM_022825.4, NM_203473.3, NM_203474.1); c.547C>T (NM_203475.1); short protein forms R183C, R112C.
Identifiers: ClinVar variation 2130172 (VCV002130172.5), dbSNP rs868950224, ClinGen allele CA412844638.
Genomic context (GRCh38, chrX:48,512,499, plus strand): 5'-GGCACCATCGTCTTCGGGCCCTGGATATCCTTCCACAGCTACCTACAAGCTGTCCAAGGC[C>T]GCCCACTGGTGAGGTCCTGAGTGGATGGGTGGGCAGGGACTGTGGGAGCCACCCTGGGGC-3'
Protein context (NP_982301.1, residues 173-193): FHSYLQAVQG[Arg183Cys]PLSCRWLQKV